The following is an entry in ClinVar:

ClinVar aggregate classification (germline): Likely benign. Review status: criteria provided, multiple submitters, no conflicts (2 of 4 stars). 2 submissions from 2 submitters: Likely benign (2). Last evaluated 2023-11-21.

Submissions (2):

Labcorp Genetics (formerly Invitae), Labcorp
Classification: Likely benign. Last evaluated: 2023-11-21. Review status: criteria provided, single submitter. Criteria: Invitae Variant Classification Sherloc (09022015). Collection method: clinical testing. Allele origin: germline.

GeneDx
Classification: Likely benign. Last evaluated: 2018-01-08. Review status: criteria provided, single submitter. Criteria: GeneDx Variant Classification (06012015). Collection method: clinical testing. Allele origin: germline. Affected: yes.
Comment: This variant is considered likely benign or benign based on one or more of the following criteria: it is a conservative change, it occurs at a poorly conserved position in the protein, it is predicted to be benign by multiple in silico algorithms, and/or has population frequency not consistent with disease.

NM_001365088.1(SLC12A6):c.544-16A>T

Gene: SLC12A6 (solute carrier family 12 member 6; minus strand). Cytogenetic location: 15q14.
Variant type: single nucleotide variant.
Coding change: c.544-16A>T on transcript NM_001365088.1 (MANE Select); 16 bases into the intron before coding-DNA position 544, A replaced by T.
Molecular consequence: intron variant.
Genome position (GRCh38, 1-based): chr15:34,257,804, T>A on the plus strand (A>T on the coding strand, the complement: SLC12A6 is on the minus strand). VCF-style: chr15-34257804-T-A. GRCh37 (hg19) VCF-style: chr15-34550005-T-A.
Other names: c.367-16A>T (NM_001042495.2, NM_001042494.2); c.517-16A>T (NM_001042496.2); c.499-16A>T (NM_001042497.2); c.544-16A>T (NM_133647.2); c.391-16A>T (NM_005135.2).
Identifiers: ClinVar variation 514454 (VCV000514454.4), dbSNP rs753935218, ClinGen allele CA489408776.